The following is an entry in ClinVar:

ClinVar aggregate classification (germline): Uncertain significance. Review status: criteria provided, multiple submitters, no conflicts (2 of 4 stars). 2 submissions from 2 submitters: Uncertain significance (2). Last evaluated 2025-07-08.

Submissions (2):

Dasa
Classification: Uncertain significance. Last evaluated: 2025-07-08. Review status: criteria provided, single submitter. Criteria: DASA Assertion Criteria. Collection method: clinical testing. Allele origin: germline.
Comment: NM_006922.4(SCN3A):c.3407C>G (p.Thr1136Ser) is a missense variant that results in the substitution of threonine with serine. This variant is absent from population databases. Computational prediction algorithms are consistent with a benign effect. The currently available literature and clinical evidence are not sufficient to establish a definitive association between this variant and the reported condition. Therefore, this variant is classified as a variant of uncertain significance.

GeneDx
Classification: Uncertain significance. Last evaluated: 2024-02-22. Review status: criteria provided, single submitter. Criteria: GeneDx Variant Classification Process June 2021. Collection method: clinical testing. Allele origin: germline. Affected: yes.
Comment: Not observed at significant frequency in large population cohorts (gnomAD); In silico analysis supports that this missense variant does not alter protein structure/function; Has not been previously published as pathogenic or benign to our knowledge

NM_006922.4(SCN3A):c.3407C>G (p.Thr1136Ser)

Gene: SCN3A (sodium voltage-gated channel alpha subunit 3; minus strand). Cytogenetic location: 2q24.3.
Variant type: single nucleotide variant.
Coding change: c.3407C>G on transcript NM_006922.4 (MANE Select); coding-DNA position 3407, C replaced by G.
Protein change: p.Thr1136Ser; replaces threonine 1136 with serine.
Molecular consequence: missense variant.
Genome position (GRCh38, 1-based): chr2:165,115,562, G>C on the plus strand (C>G on the coding strand, the complement: SCN3A is on the minus strand). VCF-style: chr2-165115562-G-C. GRCh37 (hg19) VCF-style: chr2-165972072-G-C.
Other names: c.3260C>G, p.Thr1087Ser (NM_001081676.2, NM_001081677.2); short protein forms T1087S, T1136S.
Identifiers: ClinVar variation 3343133 (VCV003343133.3).